The following is an entry in ClinVar:

ClinVar aggregate classification (germline): Uncertain significance (1 of 4 stars; one submission).

Conditions:
Inborn genetic diseases. Identifiers: MedGen C0950123, MeSH D030342.

Submission:

Ambry Genetics
Classification: Uncertain significance for Inborn genetic diseases. Last evaluated: 2025-11-12. Review status: criteria provided, single submitter. Criteria: Ambry Variant Classification Scheme 2023. Collection method: clinical testing. Allele origin: germline.
Comment: The p.V351F variant (also known as c.1051G>T), located in coding exon 1 of the CEBPA gene, results from a G to T substitution at nucleotide position 1051. The valine at codon 351 is replaced by phenylalanine, an amino acid with highly similar properties. This amino acid position is conserved. In addition, this alteration is predicted to be tolerated by in silico analysis. Based on the available evidence, the clinical significance of this variant remains unclear.

NM_004364.5(CEBPA):c.1051G>T (p.Val351Phe)

Gene: CEBPA (CCAAT enhancer binding protein alpha; minus strand). Cytogenetic location: 19q13.11.
Variant type: single nucleotide variant.
Coding change: c.1051G>T on transcript NM_004364.5 (MANE Select); coding-DNA position 1051, G replaced by T.
Protein change: p.Val351Phe; replaces valine 351 with phenylalanine.
Molecular consequence: missense variant.
Genome position (GRCh38, 1-based): chr19:33,301,364, C>A on the plus strand (G>T on the coding strand, the complement: CEBPA is on the minus strand). VCF-style: chr19-33301364-C-A. GRCh37 (hg19) VCF-style: chr19-33792270-C-A.
Other names: c.694G>T, p.Val232Phe (NM_001285829.2); c.1156G>T, p.Val386Phe (NM_001287424.2); c.1009G>T, p.Val337Phe (NM_001287435.2); short protein forms V232F, V351F, V337F, V386F.
Identifiers: ClinVar variation 4611382 (VCV004611382.1).